The following is an entry in ClinVar:

NM_014159.7(SETD2):c.662T>G (p.Val221Gly)

Gene: SETD2 (SET domain containing 2, histone lysine methyltransferase; minus strand). Cytogenetic location: 3p21.31.
Variant type: single nucleotide variant.
Coding change: c.662T>G on transcript NM_014159.7 (MANE Select); coding-DNA position 662, T replaced by G.
Protein change: p.Val221Gly; replaces valine 221 with glycine.
Molecular consequence: missense variant. On other transcripts: non-coding transcript variant (1).
Genome position (GRCh38, 1-based): chr3:47,123,974, A>C on the plus strand (T>G on the coding strand, the complement: SETD2 is on the minus strand). VCF-style: chr3-47123974-A-C. GRCh37 (hg19) VCF-style: chr3-47165464-A-C.
Other names: c.530T>G, p.Val177Gly (NM_001349370.3); short protein forms V177G, V221G.
Identifiers: ClinVar variation 3360355 (VCV003360355.1).

ClinVar aggregate classification (germline): Uncertain significance (1 of 4 stars; one submission).

Submission:

GeneDx
Classification: Uncertain significance. Last evaluated: 2023-06-24. Review status: criteria provided, single submitter. Criteria: GeneDx Variant Classification Process June 2021. Collection method: clinical testing. Allele origin: germline. Affected: yes.
Comment: Not observed at significant frequency in large population cohorts (gnomAD); In silico analysis supports that this missense variant has a deleterious effect on protein structure/function; Has not been previously published as pathogenic or benign to our knowledge